The following is an entry in ClinVar:

NM_000336.3(SCNN1B):c.1910G>A (p.Gly637Asp)

Gene: SCNN1B (sodium channel epithelial 1 subunit beta; plus strand). Cytogenetic location: 16p12.2.
Variant type: single nucleotide variant.
Coding change: c.1910G>A on transcript NM_000336.3 (MANE Select); coding-DNA position 1910, G replaced by A.
Protein change: p.Gly637Asp; replaces glycine 637 with aspartic acid.
Molecular consequence: missense variant.
Genome position (GRCh38, 1-based): chr16:23,380,788, G>A. VCF-style: chr16-23380788-G-A. GRCh37 (hg19) VCF-style: chr16-23392109-G-A.
Other names: c.1802G>A, p.Gly601Asp (NM_001410900.1); short protein forms G601D, G637D.
Identifiers: ClinVar variation 3607031 (VCV003607031.2).

ClinVar aggregate classification (germline): Uncertain significance (1 of 4 stars; one submission).

gnomAD v4.1: 42 of 1,612,296 alleles (0.0026%); highest among the groups gnomAD compares: Non-Finnish European, 0.0033%; no homozygotes.

Submission:

Labcorp Genetics (formerly Invitae), Labcorp
Classification: Uncertain significance. Last evaluated: 2024-10-03. Review status: criteria provided, single submitter. Criteria: Invitae Variant Classification Sherloc (09022015). Collection method: clinical testing. Allele origin: germline.
Comment: This sequence change replaces glycine, which is neutral and non-polar, with aspartic acid, which is acidic and polar, at codon 637 of the SCNN1B protein (p.Gly637Asp). This variant is present in population databases (rs200166680, gnomAD 0.002%). This variant has not been reported in the literature in individuals affected with SCNN1B-related conditions. An algorithm developed to predict the effect of missense changes on protein structure and function (PolyPhen-2) suggests that this variant is likely to be tolerated. In summary, the available evidence is currently insufficient to determine the role of this variant in disease. Therefore, it has been classified as a Variant of Uncertain Significance.